The following is an entry in ClinVar:

NM_000256.3(MYBPC3):c.1777T>C (p.Ser593Pro)

Gene: MYBPC3 (myosin binding protein C3; minus strand). Cytogenetic location: 11p11.2.
Variant type: single nucleotide variant.
Coding change: c.1777T>C on transcript NM_000256.3 (MANE Select); coding-DNA position 1777, T replaced by C.
Protein change: p.Ser593Pro; replaces serine 593 with proline.
Molecular consequence: missense variant.
Genome position (GRCh38, 1-based): chr11:47,342,004, A>G on the plus strand (T>C on the coding strand, the complement: MYBPC3 is on the minus strand). VCF-style: chr11-47342004-A-G. GRCh37 (hg19) VCF-style: chr11-47363555-A-G.
Other names: short protein forms S593P.
Identifiers: ClinVar variation 3915215 (VCV003915215.1).
Genomic context (GRCh38, chr11:47,342,004, plus strand): 5'-TCCATCTCAGTCTCCACCTGTCCCATCCACCTGCCCTGCACACTCACCGCCCGATGTGGG[A>G]CACCTTTATGCGGCTGTCGGGCACCAGCTCCTTCCCATTCTTCAGCCACACACCCCGAAC-3'
Protein context (NP_000247.2, residues 583-603): ELVPDSRIKV[Ser593Pro]HIGRVHKLTI

ClinVar aggregate classification (germline): Uncertain significance (1 of 4 stars; one submission).

Conditions:
Cardiovascular phenotype. Identifiers: MedGen CN230736.

Submission:

Ambry Genetics
Classification: Uncertain significance for Cardiovascular phenotype. Last evaluated: 2025-06-10. Review status: criteria provided, single submitter. Criteria: Ambry Variant Classification Scheme 2023. Collection method: clinical testing. Allele origin: germline.
Comment: The p.S593P variant (also known as c.1777T>C), located in coding exon 18 of the MYBPC3 gene, results from a T to C substitution at nucleotide position 1777. The serine at codon 593 is replaced by proline, an amino acid with similar properties. This amino acid position is not well conserved in available vertebrate species. In addition, the in silico prediction for this alteration is inconclusive. Based on the available evidence, the clinical significance of this variant remains unclear.